The following is an entry in ClinVar:

NM_174889.5(NDUFAF2):c.80A>T (p.Gln27Leu)

Gene: NDUFAF2 (NADH:ubiquinone oxidoreductase complex assembly factor 2; plus strand). Cytogenetic location: 5q12.1.
Variant type: single nucleotide variant.
Coding change: c.80A>T on transcript NM_174889.5 (MANE Select); coding-DNA position 80, A replaced by T.
Protein change: p.Gln27Leu; replaces glutamine 27 with leucine.
Molecular consequence: missense variant.
Genome position (GRCh38, 1-based): chr5:60,945,335, A>T. VCF-style: chr5-60945335-A-T. GRCh37 (hg19) VCF-style: chr5-60241162-A-T.
Other names: p.Q27L:CAA>CTA; short protein forms Q27L.
Identifiers: ClinVar variation 214739 (VCV000214739.4), dbSNP rs753215899, ClinGen allele CA319845.

ClinVar aggregate classification (germline): Conflicting classifications of pathogenicity. Review status: criteria provided, conflicting classifications (1 of 4 stars). 2 submissions from 2 submitters: Uncertain significance (1); Likely benign (1). Last evaluated 2025-12-10.

Conditions:
Inborn genetic diseases. Identifiers: MedGen C0950123, MeSH D030342.

Allele frequency attached by ClinVar (database versions not stated): TOPMed 0.00002.
gnomAD v4.1: 14 of 1,614,168 alleles (0.00087%); highest among the groups gnomAD compares: African/African-American, 0.0027%; no homozygotes.

Submissions (2):

Ambry Genetics
Classification: Uncertain significance for Inborn genetic diseases. Last evaluated: 2025-12-10. Review status: criteria provided, single submitter. Criteria: Ambry Variant Classification Scheme 2023. Collection method: clinical testing. Allele origin: germline.

GeneDx
Classification: Likely benign. Last evaluated: 2013-02-01. Review status: criteria provided, single submitter. Criteria: GeneDx Variant Classification (06012015). Collection method: clinical testing. Allele origin: germline. Affected: yes.
Comment: This variant is considered likely benign or benign based on one or more of the following criteria: it is a conservative change, it occurs at a poorly conserved position in the protein, it is predicted to be benign by multiple in silico algorithms, and/or has population frequency not consistent with disease.